The following is an entry in ClinVar:

NM_001384474.1(LOXHD1):c.5985del (p.Asp1995fs)

Gene: LOXHD1 (lipoxygenase homology PLAT domains 1; minus strand). Cytogenetic location: 18q21.1.
Variant type: Deletion.
Coding change: c.5985del on transcript NM_001384474.1 (MANE Select); coding-DNA position 5985, one base deleted (C; older notation c.5985delC).
Protein change: p.Asp1995fs; shifts the reading frame from aspartic acid 1995.
Molecular consequence: frameshift variant.
Genome position (GRCh38, 1-based): chr18:46,489,036, G deleted on the plus strand (C on the coding strand, the reverse complement: LOXHD1 is on the minus strand). VCF-style (leftmost placement, unchanged base first): chr18-46489035-CG-C. GRCh37 (hg19) VCF-style: chr18-44068998-CG-C.
Other names: c.2652del, p.Asp884fs (NM_001145472.3); c.702del, p.Asp234fs (NM_001145473.3, NM_001173129.2); c.2364del, p.Asp788fs (NM_001308013.2); c.5799del, p.Asp1933fs (NM_144612.7); short protein forms D1933fs, D1995fs, D234fs, D788fs, D884fs.
Identifiers: ClinVar variation 4069980 (VCV004069980.2).
Genomic context (GRCh38, chr18:46,489,035, plus strand): 5'-TCTCTTCCAGCTCATCACAGATCTTGTTGTTGGCACAGGCAAAGTCGCGGACCGTCTGCC[CG>C]TCACCCTCACTCTTGGAGAGCCAGCAGTCACACTGGAAGTGGAAGGTCTCGTCGCGGGAG-3'

ClinVar aggregate classification (germline): Likely pathogenic (1 of 4 stars; one submission).

Conditions:
Autosomal recessive nonsyndromic hearing loss 77. Identifiers: Orphanet 90636, MedGen C2746083, MONDO:0013119, OMIM 613079.

Submission:

Natera, Inc.
Classification: Likely pathogenic for Autosomal recessive deafness type 77. Last evaluated: 2025-05-30. Review status: criteria provided, single submitter. Criteria: Natera Variant Classification Schema (03/2026). Collection method: clinical testing. Allele origin: germline.
Comment: The c.5799del variant in LOXHD1 is a frameshift variant predicted to shift the reading frame beginning at codon 1933 and leads to a stop codon 28 codons downstream. This variant is expected to result in nonsense mediated decay, truncation, or a dysfunctional protein product. This variant is rare in the general population with a frequency below the threshold expected for the associated phenotype(s). Given the available evidence, this variant is classified as Likely Pathogenic.